The following is an entry in ClinVar:

ClinVar aggregate classification (germline): Likely benign (1 of 4 stars; one submission).

Allele frequency attached by ClinVar (database versions not stated): 1000 Genomes Project 0.00080; 1000 Genomes Project 30x 0.00094; ExAC 0.00301; TOPMed 0.00345; gnomAD exomes 0.00437 and 0.00501; gnomAD 0.00454 and 0.00473.
gnomAD v4.1: 3,499 of 715,662 alleles (0.49%); highest among the groups gnomAD compares: Non-Finnish European, 0.59%; 10 homozygotes.

Submission:

CeGaT Center for Human Genetics Tuebingen
Classification: Likely benign. Last evaluated: 2026-09-01. Review status: criteria provided, single submitter. Criteria: CeGaT Center For Human Genetics Tuebingen Variant Classification Criteria Version 2. Collection method: clinical testing. Allele origin: germline. Affected: yes. Observed: 15 variant alleles.
Comment: C1R: BP4, BP7

NM_001733.7(C1R):c.1038+120A>G

Gene: C1R (complement C1r; minus strand). Cytogenetic location: 12p13.31.
Variant type: single nucleotide variant.
Coding change: c.1038+120A>G on transcript NM_001733.7 (MANE Select); 120 bases into the intron after coding-DNA position 1038, A replaced by G.
Molecular consequence: intron variant.
Genome position (GRCh38, 1-based): chr12:7,088,490, T>C on the plus strand (A>G on the coding strand, the complement: C1R is on the minus strand). VCF-style: chr12-7088490-T-C. GRCh37 (hg19) VCF-style: chr12-7241086-T-C.
Other names: c.1080+120A>G (NM_001354346.2).
Identifiers: ClinVar variation 1694657 (VCV001694657.31), dbSNP rs192083283, ClinGen allele CA6424036.